The following is an entry in ClinVar:

NM_001165963.4(SCN1A):c.5798G>A (p.Arg1933Gln)

Genes: SCN1A (sodium voltage-gated channel alpha subunit 1; minus strand), LOC102724058 (uncharacterized LOC102724058; plus strand). Cytogenetic location: 2q24.3.
Variant type: single nucleotide variant.
Coding change: c.5798G>A on transcript NM_001165963.4 (MANE Select); coding-DNA position 5798, G replaced by A.
Protein change: p.Arg1933Gln; replaces arginine 1933 with glutamine.
Molecular consequence: missense variant. On other transcripts: non-coding transcript variant (1).
Genome position (GRCh38, 1-based): chr2:165,991,477, C>T on the plus strand (G>A on the coding strand, the complement: SCN1A is on the minus strand). VCF-style: chr2-165991477-C-T. GRCh37 (hg19) VCF-style: chr2-166847987-C-T.
Other names: c.5714G>A, p.Arg1905Gln (NM_001165964.3, NM_001353957.2, NM_001353958.2); c.5798G>A, p.Arg1933Gln (NM_001202435.3, NM_001353948.2); c.5765G>A, p.Arg1922Gln (NM_001353949.2, NM_001353950.2, NM_001353951.2 and 2 more transcripts); c.5762G>A, p.Arg1921Gln (NM_001353954.2, NM_001353955.2); c.5711G>A, p.Arg1904Gln (NM_001353960.2); c.3356G>A, p.Arg1119Gln (NM_001353961.2); c.5798G>A (NM_001165963.1); short protein forms R1119Q, R1904Q, R1905Q, R1921Q, R1922Q, R1933Q.
Identifiers: ClinVar variation 1138334 (VCV001138334.10), dbSNP rs556893466, ClinGen allele CA1942641.

ClinVar aggregate classification (germline): Conflicting classifications of pathogenicity. Review status: criteria provided, conflicting classifications (1 of 4 stars). 2 submissions from 2 submitters: Uncertain significance (1); Likely benign (1). Last evaluated 2024-02-29.

Conditions:
Early-infantile DEE. Also called: Early infantile epileptic encephalopathy with suppression bursts; Early infantile epileptic encephalopathy; Ohtahara syndrome. Identifiers: Orphanet 1934, MedGen C0393706, MONDO:0800491.

Allele frequency attached by ClinVar (database versions not stated): TOPMed below 0.00001.
gnomAD v4.1: 20 of 1,613,658 alleles (0.0012%); highest among the groups gnomAD compares: Non-Finnish European, 0.0016%; no homozygotes.

Submissions (2):

Labcorp Genetics (formerly Invitae), Labcorp
Classification: Likely benign for Early-infantile DEE. Last evaluated: 2024-02-29. Review status: criteria provided, single submitter. Criteria: Invitae Variant Classification Sherloc (09022015). Collection method: clinical testing. Allele origin: germline.

Women's Health and Genetics/Laboratory Corporation of America, LabCorp
Classification: Uncertain significance. Last evaluated: 2023-06-28. Review status: criteria provided, single submitter. Criteria: LabCorp Variant Classification Summary - May 2015. Collection method: clinical testing. Allele origin: germline.
Comment: Variant summary: SCN1A c.5798G>A (p.Arg1933Gln) results in a conservative amino acid change in the encoded protein sequence. Five of five in-silico tools predict a benign effect of the variant on protein function. The variant allele was found at a frequency of 8e-06 in 250572 control chromosomes. The available data on variant occurrences in the general population are insufficient to allow any conclusion about variant significance. c.5798G>A has been reported in the literature in an individual affected with SCN1A-Related Seizure Disorder (Turkyilmaz_2022). These data do not allow any conclusion about variant significance. To our knowledge, no experimental evidence demonstrating an impact on protein function has been reported. One submitter has cited clinical-significance assessments for this variant to ClinVar after 2014 and has classified the variant as likely benign. Based on the evidence outlined above, the variant was classified as uncertain significance.

Literature cited by the submitters: PubMed 36158059 (cited by Women's Health and Genetics/Laboratory Corporation of America, LabCorp).